The following is an entry in ClinVar:

NM_181523.3(PIK3R1):c.964A>C (p.Met322Leu)

Gene: PIK3R1 (phosphoinositide-3-kinase regulatory subunit 1; plus strand). Cytogenetic location: 5q13.1.
Variant type: single nucleotide variant.
Coding change: c.964A>C on transcript NM_181523.3 (MANE Select); coding-DNA position 964, A replaced by C.
Protein change: p.Met322Leu; replaces methionine 322 with leucine.
Molecular consequence: missense variant.
Genome position (GRCh38, 1-based): chr5:68,292,306, A>C. VCF-style: chr5-68292306-A-C. GRCh37 (hg19) VCF-style: chr5-67588134-A-C.
Other names: c.154A>C, p.Met52Leu (NM_181504.4); c.64A>C, p.Met22Leu (NM_181524.2); short protein forms M22L, M322L, M52L.
Identifiers: ClinVar variation 3047307 (VCV003047307.2), dbSNP rs147541581, ClinGen allele CA359878283.

ClinVar aggregate classification (germline): Uncertain significance (0 of 4 stars; one submission).

Conditions:
PIK3R1-related disorder. Also called: PIK3R1-related condition.

Submission:

PreventionGenetics, part of Exact Sciences
Classification: Uncertain significance for PIK3R1-related condition. Last evaluated: 2024-01-16. Review status: no assertion criteria provided. Collection method: clinical testing. Allele origin: germline.
Comment: The PIK3R1 c.964A>C variant is predicted to result in the amino acid substitution p.Met322Leu. To our knowledge, this variant has not been reported in the literature or in a large population database, indicating this variant is rare. At this time, the clinical significance of this variant is uncertain due to the absence of conclusive functional and genetic evidence.